The following is an entry in ClinVar:

NM_002471.4(MYH6):c.5438A>G (p.Gln1813Arg)

Gene: MYH6 (myosin heavy chain 6; minus strand). Cytogenetic location: 14q11.2.
Variant type: single nucleotide variant.
Coding change: c.5438A>G on transcript NM_002471.4 (MANE Select); coding-DNA position 5438, A replaced by G.
Protein change: p.Gln1813Arg; replaces glutamine 1813 with arginine.
Molecular consequence: missense variant.
Genome position (GRCh38, 1-based): chr14:23,384,569, T>C on the plus strand (A>G on the coding strand, the complement: MYH6 is on the minus strand). VCF-style: chr14-23384569-T-C. GRCh37 (hg19) VCF-style: chr14-23853778-T-C.
Other names: short protein forms Q1813R.
Identifiers: ClinVar variation 4614602 (VCV004614602.1).

ClinVar aggregate classification (germline): Uncertain significance (1 of 4 stars; one submission).

Conditions:
Cardiovascular phenotype. Identifiers: MedGen CN230736.

Submission:

Ambry Genetics
Classification: Uncertain significance for Cardiovascular phenotype. Last evaluated: 2025-09-25. Review status: criteria provided, single submitter. Criteria: Ambry Variant Classification Scheme 2023. Collection method: clinical testing. Allele origin: germline.
Comment: The p.Q1813R variant (also known as c.5438A>G), located in coding exon 34 of the MYH6 gene, results from an A to G substitution at nucleotide position 5438. The glutamine at codon 1813 is replaced by arginine, an amino acid with highly similar properties. This amino acid position is conserved. In addition, the in silico prediction for this alteration is inconclusive. Based on the available evidence, the clinical significance of this variant remains unclear.